The following is an entry in ClinVar:

NM_178172.6(GPIHBP1):c.551C>A (p.Pro184His)

Gene: GPIHBP1 (glycosylphosphatidylinositol anchored high density lipoprotein binding protein 1; plus strand). Cytogenetic location: 8q24.3.
Variant type: single nucleotide variant.
Coding change: c.551C>A on transcript NM_178172.6 (MANE Select); coding-DNA position 551, C replaced by A.
Protein change: p.Pro184His; replaces proline 184 with histidine.
Molecular consequence: missense variant. On other transcripts: intron variant (1).
Genome position (GRCh38, 1-based): chr8:143,215,514, C>A. VCF-style: chr8-143215514-C-A. GRCh37 (hg19) VCF-style: chr8-144297389-C-A.
Other names: c.375+176C>A (NM_001301772.2); short protein forms P184H.
Identifiers: ClinVar variation 3229467 (VCV003229467.1), dbSNP rs563623646, ClinGen allele CA4907155.

ClinVar aggregate classification (germline): Uncertain significance (1 of 4 stars; one submission).

Conditions:
Cardiovascular phenotype. Identifiers: MedGen CN230736.

gnomAD v4.1: 34 of 1,592,084 alleles (0.0021%); highest among the groups gnomAD compares: Admixed American, 0.057%; no homozygotes.

Submission:

Ambry Genetics
Classification: Uncertain significance for Cardiovascular phenotype. Last evaluated: 2023-09-24. Review status: criteria provided, single submitter. Criteria: Ambry Variant Classification Scheme 2023. Collection method: clinical testing. Allele origin: germline.
Comment: The p.P184H variant (also known as c.551C>A), located in coding exon 4 of the GPIHBP1 gene, results from a C to A substitution at nucleotide position 551. The proline at codon 184 is replaced by histidine, an amino acid with similar properties. This amino acid position is conserved. In addition, this alteration is predicted to be tolerated by in silico analysis. Since supporting evidence is limited at this time, the clinical significance of this alteration remains unclear.